The following is an entry in ClinVar:

NM_030787.4(CFHR5):c.608G>A (p.Gly203Glu)

Gene: CFHR5 (complement factor H related 5; plus strand). Cytogenetic location: 1q31.3.
Variant type: single nucleotide variant.
Coding change: c.608G>A on transcript NM_030787.4 (MANE Select); coding-DNA position 608, G replaced by A.
Protein change: p.Gly203Glu; replaces glycine 203 with glutamic acid.
Molecular consequence: missense variant.
Genome position (GRCh38, 1-based): chr1:196,995,717, G>A. VCF-style: chr1-196995717-G-A. GRCh37 (hg19) VCF-style: chr1-196964847-G-A.
Other names: p.Gly203Glu; short protein forms G203E.
Identifiers: ClinVar variation 3380457 (VCV003380457.1).

ClinVar aggregate classification (germline): Uncertain significance (1 of 4 stars; one submission).

Submission:

Mayo Clinic Laboratories, Mayo Clinic
Classification: Uncertain significance. Last evaluated: 2024-01-03. Review status: criteria provided, single submitter. Criteria: ACMG Guidelines, 2015. Collection method: clinical testing. Allele origin: germline. Observed: 1 variant allele.
Comment: BP4, PM2